The following is an entry in ClinVar:

NM_181523.3(PIK3R1):c.1819T>C (p.Tyr607His)

Gene: PIK3R1 (phosphoinositide-3-kinase regulatory subunit 1; plus strand). Cytogenetic location: 5q13.1.
Variant type: single nucleotide variant.
Coding change: c.1819T>C on transcript NM_181523.3 (MANE Select); coding-DNA position 1819, T replaced by C.
Protein change: p.Tyr607His; replaces tyrosine 607 with histidine.
Molecular consequence: missense variant.
Genome position (GRCh38, 1-based): chr5:68,296,175, T>C. VCF-style: chr5-68296175-T-C. GRCh37 (hg19) VCF-style: chr5-67592003-T-C.
Other names: c.730T>C, p.Tyr244His (NM_001242466.2); c.1009T>C, p.Tyr337His (NM_181504.4); c.919T>C, p.Tyr307His (NM_181524.2); short protein forms Y244H, Y337H, Y307H, Y607H.
Identifiers: ClinVar variation 2940674 (VCV002940674.3), dbSNP rs1580267019, ClinGen allele CA359883713.

ClinVar aggregate classification (germline): Uncertain significance (1 of 4 stars; one submission).

Conditions:
SHORT syndrome. Also called: LIPODYSTROPHY, PARTIAL, WITH RIEGER ANOMALY AND SHORT STATURE; PIK3R1-Related SHORT Syndrome; SHORT STATURE, HYPEREXTENSIBILITY, HERNIA, OCULAR DEPRESSION, RIEGER ANOMALY, AND TEETHING DELAY. Identifiers: Orphanet 3163, MedGen C0878684, MONDO:0010026, OMIM 269880.
Agammaglobulinemia 7, autosomal recessive (AGM7). Also called: AGAMMAGLOBULINEMIA, AUTOSOMAL RECESSIVE, DUE TO PIK3R1 DEFECT. Identifiers: MedGen C3554689, MONDO:0014083, OMIM 615214.
Immunodeficiency 36 with lymphoproliferation. Also called: Immunodeficiency 36; ACTIVATED PI3K-DELTA SYNDROME 2; Activated PI3K Delta Syndrome Type 2 (APDS2). Identifiers: Orphanet 397596, Orphanet 693681, MedGen C4014934, MONDO:0014453, OMIM 616005.

Allele frequency attached by ClinVar (database versions not stated): gnomAD exomes below 0.00001.
gnomAD v4.1: 2 of 1,614,072 alleles (0.00012%); highest among the groups gnomAD compares: Non-Finnish European, 0.00017%; no homozygotes.

Submission:

Labcorp Genetics (formerly Invitae), Labcorp
Classification: Uncertain significance for SHORT syndrome; Immunodeficiency 36 with lymphoproliferation; Agammaglobulinemia 7, autosomal recessive. Last evaluated: 2023-02-03. Review status: criteria provided, single submitter. Criteria: Invitae Variant Classification Sherloc (09022015). Collection method: clinical testing. Allele origin: germline.
Comment: In summary, the available evidence is currently insufficient to determine the role of this variant in disease. Therefore, it has been classified as a Variant of Uncertain Significance. Advanced modeling of protein sequence and biophysical properties (such as structural, functional, and spatial information, amino acid conservation, physicochemical variation, residue mobility, and thermodynamic stability) has been performed at Invitae for this missense variant, however the output from this modeling did not meet the statistical confidence thresholds required to predict the impact of this variant on PIK3R1 protein function. This variant has not been reported in the literature in individuals affected with PIK3R1-related conditions. This variant is not present in population databases (gnomAD no frequency). This sequence change replaces tyrosine, which is neutral and polar, with histidine, which is basic and polar, at codon 607 of the PIK3R1 protein (p.Tyr607His).